The following is an entry in ClinVar:

ClinVar aggregate classification (germline): Uncertain significance (1 of 4 stars; one submission).

Conditions:
Autosomal recessive ataxia, Beauce type. Also called: SYNE1-Related Autosomal Recessive Cerebellar Ataxia; Spinocerebellar ataxia, autosomal recessive 8; ATAXIA, RECESSIVE, OF BEAUCE; SYNE1 Deficiency. Identifiers: Orphanet 88644, MedGen C1853116, MONDO:0012549, OMIM 610743.
Emery-Dreifuss muscular dystrophy 4, autosomal dominant (EDMD4). Also called: EMERY-DREIFUSS MUSCULAR DYSTROPHY 4 WITH VARIABLE FEATURES. Identifiers: Orphanet 261, MedGen C2751807, MONDO:0013071, OMIM 612998.

gnomAD v4.1: 4 of 1,614,014 alleles (0.00025%); highest among the groups gnomAD compares: African/African-American, 0.0053%; no homozygotes.

Submission:

Labcorp Genetics (formerly Invitae), Labcorp
Classification: Uncertain significance for Emery-Dreifuss muscular dystrophy 4, autosomal dominant; Autosomal recessive ataxia, Beauce type. Last evaluated: 2025-10-03. Review status: criteria provided, single submitter. Criteria: Invitae Variant Classification Sherloc (09022015). Collection method: clinical testing. Allele origin: germline.
Comment: This sequence change replaces valine, which is neutral and non-polar, with phenylalanine, which is neutral and non-polar, at codon 5081 of the SYNE1 protein (p.Val5081Phe). This variant is not present in population databases (gnomAD no frequency). This variant has not been reported in the literature in individuals affected with SYNE1-related conditions. An algorithm developed to predict the effect of missense changes on protein structure and function (PolyPhen-2) suggests that this variant is likely to be disruptive. In summary, the available evidence is currently insufficient to determine the role of this variant in disease. Therefore, it has been classified as a Variant of Uncertain Significance.

NM_182961.4(SYNE1):c.15454G>T (p.Val5152Phe)

Gene: SYNE1 (spectrin repeat containing nuclear envelope protein 1; minus strand). Cytogenetic location: 6q25.2.
Variant type: single nucleotide variant.
Coding change: c.15454G>T on transcript NM_182961.4 (MANE Select); coding-DNA position 15454, G replaced by T.
Protein change: p.Val5152Phe; replaces valine 5152 with phenylalanine.
Molecular consequence: missense variant.
Genome position (GRCh38, 1-based): chr6:152,325,287, C>A on the plus strand (G>T on the coding strand, the complement: SYNE1 is on the minus strand). VCF-style: chr6-152325287-C-A. GRCh37 (hg19) VCF-style: chr6-152646422-C-A.
Other names: c.15241G>T, p.Val5081Phe (NM_033071.5); short protein forms V5152F, V5081F.
Identifiers: ClinVar variation 4782572 (VCV004782572.1).